The following is an entry in ClinVar:

NM_000135.4(FANCA):c.2555C>A (p.Ser852Ter)

Gene: FANCA (FA complementation group A; minus strand). Cytogenetic location: 16q24.3.
Variant type: single nucleotide variant.
Coding change: c.2555C>A on transcript NM_000135.4 (MANE Select); coding-DNA position 2555, C replaced by A.
Protein change: p.Ser852Ter; replaces serine 852 with a stop codon.
Molecular consequence: nonsense.
Genome position (GRCh38, 1-based): chr16:89,767,187, G>T on the plus strand (C>A on the coding strand, the complement: FANCA is on the minus strand). VCF-style: chr16-89767187-G-T. GRCh37 (hg19) VCF-style: chr16-89833595-G-T.
Other names: c.2555C>A, p.Ser852Ter (NM_001286167.3); short protein forms S852*.
Identifiers: ClinVar variation 971170 (VCV000971170.18), dbSNP rs761469030, ClinGen allele CA397440586.

ClinVar aggregate classification (germline): Pathogenic. Review status: criteria provided, multiple submitters, no conflicts (2 of 4 stars). 4 submissions from 4 submitters: Pathogenic (4). Last evaluated 2026-06-26.

Conditions:
Fanconi anemia complementation group A (FANCA). Also called: FANCA-Related Fanconi Anemia; Fanconi anemia, group A. Identifiers: Orphanet 84, MedGen C3469521, MONDO:0009215, OMIM 227650.
Fanconi anemia (FA). Also called: Fanconi's anemia. Identifiers: Orphanet 84, MedGen C0015625, MeSH D005199, MONDO:0019391.

Submissions (4):

GeneDx
Classification: Pathogenic. Last evaluated: 2026-06-26. Review status: criteria provided, single submitter. Criteria: GeneDx Variant Classification Process June 2021. Collection method: clinical testing. Allele origin: germline.
Comment: Nonsense variant predicted to result in protein truncation or nonsense mediated decay in a gene for which loss of function is a known mechanism of disease; Not observed at significant frequency in large population cohorts (gnomAD); This variant is associated with the following publications: (PMID: 34308104, 25239263)

Baylor Genetics
Classification: Pathogenic for Fanconi anemia complementation group A. Last evaluated: 2024-02-09. Review status: criteria provided, single submitter. Criteria: ACMG Guidelines, 2015. Collection method: clinical testing. Allele origin: unknown.

Labcorp Genetics (formerly Invitae), Labcorp
Classification: Pathogenic for Fanconi anemia. Last evaluated: 2020-02-05. Review status: criteria provided, single submitter. Criteria: Invitae Variant Classification Sherloc (09022015). Collection method: clinical testing. Allele origin: germline.
Comment: For these reasons, this variant has been classified as Pathogenic. Loss-of-function variants in FANCA are known to be pathogenic (PMID: 19367192). This variant has been observed in an individual affected with Fanconi anemia (PMID: 25239263). This variant is not present in population databases (ExAC no frequency). This sequence change creates a premature translational stop signal (p.Ser852*) in the FANCA gene. It is expected to result in an absent or disrupted protein product.

Revvity Omics, Revvity
Classification: Pathogenic for Fanconi anemia complementation group A. Last evaluated: 2019-05-16. Review status: criteria provided, single submitter. Criteria: ACMG Guidelines, 2015. Collection method: clinical testing. Allele origin: germline.

Literature cited by the submitters: PubMed 19367192 (cited by Labcorp Genetics (formerly Invitae), Labcorp); PubMed 25239263 (cited by Labcorp Genetics (formerly Invitae), Labcorp).